The following is an entry in ClinVar:

ClinVar aggregate classification (germline): Uncertain significance (1 of 4 stars; one submission).

Allele frequency attached by ClinVar (database versions not stated): gnomAD exomes below 0.00001; TOPMed 0.00001.

Submission:

Labcorp Genetics (formerly Invitae), Labcorp
Classification: Uncertain significance. Last evaluated: 2022-07-04. Review status: criteria provided, single submitter. Criteria: Invitae Variant Classification Sherloc (09022015). Collection method: clinical testing. Allele origin: germline.
Comment: In summary, the available evidence is currently insufficient to determine the role of this variant in disease. Therefore, it has been classified as a Variant of Uncertain Significance. Algorithms developed to predict the effect of missense changes on protein structure and function are either unavailable or do not agree on the potential impact of this missense change (SIFT: "Tolerated"; PolyPhen-2: "Possibly Damaging"; Align-GVGD: "Class C0"). This variant has not been reported in the literature in individuals affected with IFNAR2-related conditions. This variant is present in population databases (no rsID available, gnomAD 0.0009%). This sequence change replaces methionine, which is neutral and non-polar, with threonine, which is neutral and polar, at codon 18 of the IFNAR2 protein (p.Met18Thr).

NM_001289125.3(IFNAR2):c.53T>C (p.Met18Thr)

Genes: IFNAR2 (interferon alpha and beta receptor subunit 2; plus strand), IFNAR2-IL10RB (IFNAR2-IL10RB readthrough; plus strand). Cytogenetic location: 21q22.11.
Variant type: single nucleotide variant.
Coding change: c.53T>C on transcript NM_001289125.3 (MANE Select); coding-DNA position 53, T replaced by C.
Protein change: p.Met18Thr; replaces methionine 18 with threonine.
Molecular consequence: missense variant.
Genome position (GRCh38, 1-based): chr21:33,241,975, T>C. VCF-style: chr21-33241975-T-C. GRCh37 (hg19) VCF-style: chr21-34614280-T-C.
Other names: c.53T>C, p.Met18Thr (NM_001414505.1, NM_000874.5, NM_001289126.2 and 5 more transcripts); short protein forms M18T.
Identifiers: ClinVar variation 2014073 (VCV002014073.4), dbSNP rs1476050885, ClinGen allele CA410093900.